The following is an entry in ClinVar:

ClinVar aggregate classification (germline): Uncertain significance. Review status: criteria provided, multiple submitters, no conflicts (2 of 4 stars). 4 submissions from 4 submitters: Uncertain significance (4). Last evaluated 2025-04-17.

Conditions:
Inborn genetic diseases. Identifiers: MedGen C0950123, MeSH D030342.
Hypokalemic periodic paralysis, type 1. Also called: Hypokalemic Periodic Paralysis Type 1 (AD); HypoPP. Identifiers: Orphanet 681, MedGen C3714580, MONDO:0042979, OMIM 170400.
Malignant hyperthermia, susceptibility to, 5 (MHS5). Also called: CACNA1S-Related Malignant Hyperthermia Susceptibility. Identifiers: Orphanet 423, MedGen C1866077, MONDO:0011163, OMIM 601887.

Allele frequency attached by ClinVar (database versions not stated): gnomAD 0.00001.

Submissions (4):

Labcorp Genetics (formerly Invitae), Labcorp
Classification: Uncertain significance for Hypokalemic periodic paralysis, type 1; Malignant hyperthermia, susceptibility to, 5. Last evaluated: 2025-04-17. Review status: criteria provided, single submitter. Criteria: Invitae Variant Classification Sherloc (09022015). Collection method: clinical testing. Allele origin: germline.
Comment: This sequence change replaces alanine, which is neutral and non-polar, with valine, which is neutral and non-polar, at codon 626 of the CACNA1S protein (p.Ala626Val). This variant is present in population databases (rs772436420, gnomAD 0.004%). This variant has not been reported in the literature in individuals affected with CACNA1S-related conditions. ClinVar contains an entry for this variant (Variation ID: 2242187). Invitae Evidence Modeling of protein sequence and biophysical properties (such as structural, functional, and spatial information, amino acid conservation, physicochemical variation, residue mobility, and thermodynamic stability) has been performed for this missense variant. However, the output from this modeling did not meet the statistical confidence thresholds required to predict the impact of this variant on CACNA1S protein function. In summary, the available evidence is currently insufficient to determine the role of this variant in disease. Therefore, it has been classified as a Variant of Uncertain Significance.

GeneDx
Classification: Uncertain significance. Last evaluated: 2025-02-02. Review status: criteria provided, single submitter. Criteria: GeneDx Variant Classification Process June 2021. Collection method: clinical testing. Allele origin: germline. Affected: yes.
Comment: Not observed at significant frequency in large population cohorts (gnomAD); In silico analysis supports that this missense variant has a deleterious effect on protein structure/function; Has not been previously published as pathogenic or benign to our knowledge

All of Us Research Program, National Institutes of Health
Classification: Uncertain significance for Malignant hyperthermia, susceptibility to, 5. Last evaluated: 2024-08-13. Review status: criteria provided, single submitter. Criteria: ACMG Guidelines, 2015. Collection method: clinical testing. Allele origin: germline. Inheritance: Autosomal dominant inheritance. Observed: 1 variant allele, 1 heterozygote.
Comment: This missense variant replaces alanine with valine at codon 626 of the CACNA1S protein. Computational prediction suggests that this variant may have deleterious impact on protein structure and function (internally defined REVEL score threshold >= 0.7, PMID: 27666373). To our knowledge, functional studies have not been reported for this variant. This variant has not been reported in individuals affected with CACNA1S-related disorders in the literature. This variant has been identified in 4/251490 chromosomes in the general population by the Genome Aggregation Database (gnomAD). The available evidence is insufficient to determine the role of this variant in disease conclusively. Therefore, this variant is classified as a Variant of Uncertain Significance.

This study involves interpretation of variants in research participants for the purpose of population health screening. Participant phenotype was not available at the time of variant classification. Additional details can be found in publication PMID: 35346344, PMCID: PMC8962531

Ambry Genetics
Classification: Uncertain significance for Inborn genetic diseases. Last evaluated: 2022-04-07. Review status: criteria provided, single submitter. Criteria: Ambry Variant Classification Scheme 2023. Collection method: clinical testing. Allele origin: germline.

NM_000069.3(CACNA1S):c.1877C>T (p.Ala626Val)

Gene: CACNA1S (calcium voltage-gated channel subunit alpha1 S; minus strand). Cytogenetic location: 1q32.1.
Variant type: single nucleotide variant.
Coding change: c.1877C>T on transcript NM_000069.3 (MANE Select); coding-DNA position 1877, C replaced by T.
Protein change: p.Ala626Val; replaces alanine 626 with valine.
Molecular consequence: missense variant.
Genome position (GRCh38, 1-based): chr1:201,075,566, G>A on the plus strand (C>T on the coding strand, the complement: CACNA1S is on the minus strand). VCF-style: chr1-201075566-G-A. GRCh37 (hg19) VCF-style: chr1-201044694-G-A.
Other names: short protein forms A626V.
Identifiers: ClinVar variation 2242187 (VCV002242187.5), dbSNP rs772436420, ClinGen allele CA078637.